The following is an entry in ClinVar:

ClinVar aggregate classification (germline): Likely benign. Review status: criteria provided, multiple submitters, no conflicts (2 of 4 stars). 3 submissions from 3 submitters: Likely benign (2). 1 of the submissions does not count toward it. Last evaluated 2024-11-24.

Conditions:
KDM1A-related disorder. Also called: KDM1A-related condition.
Inborn genetic diseases. Identifiers: MedGen C0950123, MeSH D030342.

Allele frequency attached by ClinVar (database versions not stated): gnomAD 0.00001; gnomAD exomes 0.00001; TOPMed 0.00001; ExAC 0.00002.
gnomAD v4.1: 9 of 1,613,800 alleles (0.00056%); highest among the groups gnomAD compares: Admixed American, 0.013%; no homozygotes.

Submissions (3):

Ambry Genetics
Classification: Likely benign for Inborn genetic diseases. Last evaluated: 2024-11-24. Review status: criteria provided, single submitter. Criteria: Ambry Variant Classification Scheme 2023. Collection method: clinical testing. Allele origin: germline.

Labcorp Genetics (formerly Invitae), Labcorp
Classification: Likely benign. Last evaluated: 2024-07-10. Review status: criteria provided, single submitter. Criteria: Invitae Variant Classification Sherloc (09022015). Collection method: clinical testing. Allele origin: germline.

PreventionGenetics, part of Exact Sciences
Classification: Likely benign for KDM1A-related condition. Last evaluated: 2019-06-21. Review status: no assertion criteria provided. Collection method: clinical testing. Allele origin: germline. Not counted in ClinVar's aggregate classification.
Comment: This variant is classified as likely benign based on ACMG/AMP sequence variant interpretation guidelines (Richards et al. 2015 PMID: 25741868, with internal and published modifications).

NM_001009999.3(KDM1A):c.2535A>G (p.Glu845=)

Gene: KDM1A (lysine demethylase 1A; plus strand). Cytogenetic location: 1p36.12.
Variant type: single nucleotide variant.
Coding change: c.2535A>G on transcript NM_001009999.3 (MANE Select); coding-DNA position 2535, A replaced by G.
Protein change: p.Glu845=; no amino-acid change (glutamic acid 845 retained).
Molecular consequence: synonymous variant. On other transcripts: 3 prime UTR variant (1).
Genome position (GRCh38, 1-based): chr1:23,083,268, A>G. VCF-style: chr1-23083268-A-G. GRCh37 (hg19) VCF-style: chr1-23409761-A-G.
Other names: c.2481A>G, p.Glu827= (NM_001363654.2); c.2541A>G, p.Glu847= (NM_001410762.1); c.*783A>G (NM_001410763.1); c.2463A>G, p.Glu821= (NM_015013.4); c.2535A>G (NM_001009999.2).
Identifiers: ClinVar variation 1975386 (VCV001975386.8), dbSNP rs767207530, ClinGen allele CA679989.
Genomic context (GRCh38, chr1:23,083,268, plus strand): 5'-ACATACGATCCGTAACTACCCAGCCACAGTGCATGGTGCTCTGCTGAGTGGGCTGCGAGA[A>G]GCGGGAAGAATTGCAGACCAGTTTTTGGGGGCCATGTATACGCTGCCTCGCCAGGCCACA-3'
Protein context (NP_001009999.1, residues 835-855): VHGALLSGLR[Glu845=]AGRIADQFLG